The following is an entry in ClinVar:

NM_012293.3(PXDN):c.2201A>T (p.Asp734Val)

Gene: PXDN (peroxidasin; minus strand). Cytogenetic location: 2p25.3.
Variant type: single nucleotide variant.
Coding change: c.2201A>T on transcript NM_012293.3 (MANE Select); coding-DNA position 2201, A replaced by T.
Protein change: p.Asp734Val; replaces aspartic acid 734 with valine.
Molecular consequence: missense variant.
Genome position (GRCh38, 1-based): chr2:1,649,579, T>A on the plus strand (A>T on the coding strand, the complement: PXDN is on the minus strand). VCF-style: chr2-1649579-T-A. GRCh37 (hg19) VCF-style: chr2-1653351-T-A.
Other names: short protein forms D734V.
Identifiers: ClinVar variation 2817304 (VCV002817304.3), dbSNP rs2546899935, ClinGen allele CA345708510.

ClinVar aggregate classification (germline): Uncertain significance (1 of 4 stars; one submission).

Conditions:
Anterior segment dysgenesis 7 (ASGD7). Also called: SCLEROCORNEA WITH OTHER OCULAR ANOMALIES; Anterior segment dysgenesis 7, with sclerocornea. Identifiers: Orphanet 289499, MedGen C3151617, MONDO:0010015, OMIM 269400.

Submission:

Labcorp Genetics (formerly Invitae), Labcorp
Classification: Uncertain significance for Anterior segment dysgenesis 7. Last evaluated: 2024-10-22. Review status: criteria provided, single submitter. Criteria: Invitae Variant Classification Sherloc (09022015). Collection method: clinical testing. Allele origin: germline.
Comment: This sequence change replaces aspartic acid, which is acidic and polar, with valine, which is neutral and non-polar, at codon 734 of the PXDN protein (p.Asp734Val). This variant is not present in population databases (gnomAD no frequency). This variant has not been reported in the literature in individuals affected with PXDN-related conditions. Invitae Evidence Modeling of protein sequence and biophysical properties (such as structural, functional, and spatial information, amino acid conservation, physicochemical variation, residue mobility, and thermodynamic stability) has been performed for this missense variant. However, the output from this modeling did not meet the statistical confidence thresholds required to predict the impact of this variant on PXDN protein function. In summary, the available evidence is currently insufficient to determine the role of this variant in disease. Therefore, it has been classified as a Variant of Uncertain Significance.